The following is an entry in ClinVar:

ClinVar aggregate classification (germline): Uncertain significance. Review status: criteria provided, single submitter (1 of 4 stars). 2 submissions from 2 submitters: Uncertain significance (1). 1 of the submissions does not count toward it. Last evaluated 2025-10-07.

Conditions:
Dyskeratosis congenita. Identifiers: Orphanet 1775, MedGen C0265965, MONDO:0015780.
Dyskeratosis congenita, autosomal recessive 5 (DKCB5). Identifiers: MedGen C3554656, MONDO:0014076, OMIM 615190.
Pulmonary fibrosis and/or bone marrow failure, Telomere-related, 3. Also called: PULMONARY FIBROSIS AND/OR BONE MARROW FAILURE SYNDROME, TELOMERE-RELATED, 3. Identifiers: Orphanet 2032, MedGen C4225346, MONDO:0014613, OMIM 616373.

Allele frequency attached by ClinVar (database versions not stated): gnomAD 0.00003 and 0.00004; ESP Exome Variant Server 0.00008; TOPMed 0.00010.
gnomAD v4.1: 25 of 1,612,802 alleles (0.0016%); highest among the groups gnomAD compares: African/African-American, 0.0093%; no homozygotes.

Submissions (2):

Labcorp Genetics (formerly Invitae), Labcorp
Classification: Uncertain significance for Dyskeratosis congenita, autosomal recessive 5; Pulmonary fibrosis and/or bone marrow failure, Telomere-related, 3. Last evaluated: 2025-10-07. Review status: criteria provided, single submitter. Criteria: Invitae Variant Classification Sherloc (09022015). Collection method: clinical testing. Allele origin: germline.
Comment: This sequence change replaces aspartic acid, which is acidic and polar, with asparagine, which is neutral and polar, at codon 338 of the RTEL1 protein (p.Asp338Asn). This variant is present in population databases (rs116495318, gnomAD 0.03%). This missense change has been observed in individual(s) with telomere biology disorder (PMID: 39279213). ClinVar contains an entry for this variant (Variation ID: 936522). An algorithm developed to predict the effect of missense changes on protein structure and function outputs the following: PolyPhen-2: "Benign". The asparagine amino acid residue is found in multiple mammalian species, which suggests that this missense change does not adversely affect protein function. In summary, the available evidence is currently insufficient to determine the role of this variant in disease. Therefore, it has been classified as a Variant of Uncertain Significance.

Natera, Inc.
Classification: Uncertain significance for Dyskeratosis congenita. Last evaluated: 2020-12-18. Review status: no assertion criteria provided. Collection method: clinical testing. Allele origin: germline. Not counted in ClinVar's aggregate classification.

Literature cited by the submitters: PubMed 39279213 (cited by Labcorp Genetics (formerly Invitae), Labcorp).

NM_001283009.2(RTEL1):c.1012G>A (p.Asp338Asn)

Genes: RTEL1 (regulator of telomere elongation helicase 1; plus strand), RTEL1-TNFRSF6B (RTEL1-TNFRSF6B readthrough (NMD candidate); plus strand). Cytogenetic location: 20q13.33.
Variant type: single nucleotide variant.
Coding change: c.1012G>A on transcript NM_001283009.2 (MANE Select); coding-DNA position 1012, G replaced by A.
Protein change: p.Asp338Asn; replaces aspartic acid 338 with asparagine.
Molecular consequence: missense variant. On other transcripts: non-coding transcript variant (1).
Genome position (GRCh38, 1-based): chr20:63,678,321, G>A. VCF-style: chr20-63678321-G-A. GRCh37 (hg19) VCF-style: chr20-62309674-G-A.
Other names: c.343G>A, p.Asp115Asn (NM_001283010.1); c.1012G>A, p.Asp338Asn (NM_016434.4); c.1084G>A, p.Asp362Asn (NM_032957.5); short protein forms D338N, D115N, D362N.
Identifiers: ClinVar variation 936522 (VCV000936522.5), dbSNP rs116495318, ClinGen allele CA9964558.